The following is an entry in ClinVar:

NM_001130987.2(DYSF):c.5884+1G>A

Gene: DYSF (dysferlin; plus strand). Cytogenetic location: 2p13.2.
Variant type: single nucleotide variant.
Coding change: c.5884+1G>A on transcript NM_001130987.2 (MANE Select); the canonical splice donor site of the intron after coding-DNA position 5884, G replaced by A.
Molecular consequence: splice donor variant.
Genome position (GRCh38, 1-based): chr2:71,674,297, G>A. VCF-style: chr2-71674297-G-A. GRCh37 (hg19) VCF-style: chr2-71901427-G-A.
Other names: c.5860+1G>A (NM_001130979.2); c.5881+1G>A (NM_001130981.2); c.5818+1G>A (NM_001130980.2); c.5830+1G>A (NM_001130978.2); c.5767+1G>A (NM_003494.4); c.5788+1G>A (NM_001130977.2); c.5725+1G>A (NM_001130976.2); c.5863+1G>A (NM_001130982.2); and 5 more.
Identifiers: ClinVar variation 597680 (VCV000597680.16), dbSNP rs756689063, ClinGen allele CA49771597.

ClinVar aggregate classification (germline): Pathogenic/Likely pathogenic. Review status: criteria provided, multiple submitters, no conflicts (2 of 4 stars). 5 submissions from 5 submitters: Pathogenic (4); Likely pathogenic (1). Last evaluated 2023-11-27.

Conditions:
Neuromuscular disease caused by qualitative or quantitative defects of dysferlin. Also called: Qualitative or quantitative defects of dysferlin; Dysferlinopathy. Identifiers: Orphanet 207073, MedGen C2931687, MONDO:0016145.
Autosomal recessive limb-girdle muscular dystrophy type 2B (LGMDR2). Also called: MUSCULAR DYSTROPHY, LIMB-GIRDLE, AUTOSOMAL RECESSIVE 2; Limb-Girdle Muscular Dystrophy Type 2B (LGMD2B); Limb-girdle muscular dystrophy, type 2B; MUSCULAR DYSTROPHY, LIMB-GIRDLE, TYPE 3. Identifiers: Orphanet 268, MedGen C1850889, MONDO:0009676, OMIM 253601.
Miyoshi muscular dystrophy 1 (MMD1). Identifiers: Orphanet 45448, MedGen C4551973, MONDO:0024545, OMIM 254130.

Allele frequency attached by ClinVar (database versions not stated): gnomAD 0.00001.
gnomAD v4.1: 1 of 1,614,000 alleles (0.000062%); highest among the groups gnomAD compares: Non-Finnish European, 0.000085%; no homozygotes.

Submissions (5):

Labcorp Genetics (formerly Invitae), Labcorp
Classification: Pathogenic for Neuromuscular disease caused by qualitative or quantitative defects of dysferlin. Last evaluated: 2023-11-27. Review status: criteria provided, single submitter. Criteria: Invitae Variant Classification Sherloc (09022015). Collection method: clinical testing. Allele origin: germline.
Comment: This sequence change affects a donor splice site in intron 51 of the DYSF gene. It is expected to disrupt RNA splicing. Variants that disrupt the donor or acceptor splice site typically lead to a loss of protein function (PMID: 16199547), and loss-of-function variants in DYSF are known to be pathogenic (PMID: 17698709, 20301480). This variant is not present in population databases (gnomAD no frequency). Disruption of this splice site has been observed in individual(s) with limb-girdle muscular dystrophy (PMID: 18853459, 33927379). ClinVar contains an entry for this variant (Variation ID: 597680). Algorithms developed to predict the effect of sequence changes on RNA splicing suggest that this variant may disrupt the consensus splice site. For these reasons, this variant has been classified as Pathogenic.

Revvity Omics, Revvity
Classification: Pathogenic. Last evaluated: 2023-09-23. Review status: criteria provided, single submitter. Criteria: ACMG Guidelines, 2015. Collection method: clinical testing. Allele origin: germline.

Baylor Genetics
Classification: Pathogenic for Miyoshi muscular dystrophy 1. Last evaluated: 2023-03-14. Review status: criteria provided, single submitter. Criteria: ACMG Guidelines, 2015. Collection method: clinical testing. Allele origin: unknown.

MGZ Medical Genetics Center
Classification: Likely pathogenic for Autosomal recessive limb-girdle muscular dystrophy type 2B. Last evaluated: 2021-11-18. Review status: criteria provided, single submitter. Criteria: ACMG Guidelines, 2015. Collection method: clinical testing. Allele origin: germline. Affected: yes. Observed: 1 variant allele.
Comment: ACMG criteria applied: PVS1_STR, PM3, PS4_SUP, PM2_SUP

Eurofins Ntd Llc (ga)
Classification: Pathogenic. Last evaluated: 2018-06-26. Review status: criteria provided, single submitter. Criteria: EGL ClinVar v180209 classification definitions. Collection method: clinical testing. Allele origin: germline. Observed: 1 variant allele, 1 heterozygote.

Literature cited by the submitters: PubMed 16199547 (cited by Labcorp Genetics (formerly Invitae), Labcorp); PubMed 17698709 (cited by Labcorp Genetics (formerly Invitae), Labcorp); PubMed 20301480 (cited by Labcorp Genetics (formerly Invitae), Labcorp); PubMed 18853459 (cited by Labcorp Genetics (formerly Invitae), Labcorp); PubMed 33927379 (cited by Labcorp Genetics (formerly Invitae), Labcorp).